The following is an entry in ClinVar:

ClinVar aggregate classification (germline): not provided (0 of 4 stars; one submission).

Conditions:
Gestational diabetes mellitus uncontrolled. Identifiers: MedGen C3532257.

Submission:

Institute of Molecular and Cell Biology, University of Tartu
No classification provided. Condition: Gestational diabetes mellitus uncontrolled. Review status: no classification provided. Collection method: case-control. Allele origin: unknown. Affected: yes. Study: Kasak2014.
Comment: The study aimed to determine the contribution of copy number variants in the genetic etiology of normal and complicated pregnancies. The samples represented (i) maternal blood DNA drawn from healthy pregnant women during 1st or 2nd trimester and (ii) maternal and paternal blood DNA drawn at term pregnancy cases representing normal and complicated gestations (severe preeclampsia, PE; gestational diabetes, GD; small-for-gestational age newborn, SGA; large-for-gestational age newborn, LGA). We performed CNV calling based on genome-wide genotyping dataset (Illumina HumanOmniExpress-24-v1 BeadChip) by applying three algorithms, QuantiSNP, GADA (Genome Alteration Detection Algorithm) and CNstream in parallel. The acquired CNV calls were merged with HD-CNV (Hotspot Detector for Copy Number Variants) program and only the CNVs predicted by at least two programs, were considered in subsequent analysis.

Literature cited by the submitters: PubMed 25666259.

NC_000004.12:g.25031386_25504310dup

Genes: ANAPC4 (anaphase promoting complex subunit 4; plus strand), PI4K2B (phosphatidylinositol 4-kinase type 2 beta; plus strand), PI4K2B-DT (PI4K2B divergent transcript; minus strand), SEPSECS (Sep (O-phosphoserine) tRNA:Sec (selenocysteine) tRNA synthase; minus strand), SEPSECS-DT (SEPSECS divergent transcript; plus strand) and 12 more. Cytogenetic location: 4p15.2.
Variant type: Duplication.
Identifiers: ClinVar variation 156912 (VCV000156912.2).